The following is an entry in ClinVar:

ClinVar aggregate classification (germline): Uncertain significance. Review status: criteria provided, multiple submitters, no conflicts (2 of 4 stars). 3 submissions from 3 submitters: Uncertain significance (3). Last evaluated 2026-04-28.

Conditions:
MORC2-related disorder. Also called: MORC2-related condition.
Inborn genetic diseases. Identifiers: MedGen C0950123, MeSH D030342.
Charcot-Marie-Tooth disease axonal type 2Z. Also called: CHARCOT-MARIE-TOOTH DISEASE, AXONAL, AUTOSOMAL DOMINANT, TYPE 2Z; CHARCOT-MARIE-TOOTH NEUROPATHY, TYPE 2Z. Identifiers: Orphanet 466768, MedGen C5569025, MONDO:0014736, OMIM 616688.

Allele frequency attached by ClinVar (database versions not stated): gnomAD exomes 0.00002 and 0.00003; TOPMed 0.00002; ExAC 0.00003; gnomAD 0.00003.
gnomAD v4.1: 49 of 1,612,072 alleles (0.003%); highest among the groups gnomAD compares: Middle Eastern, 0.016%; no homozygotes.

Submissions (3):

PreventionGenetics, part of Exact Sciences
Classification: Uncertain significance for MORC2-related condition. Last evaluated: 2026-04-28. Review status: criteria provided, single submitter. Criteria: ACMG Guidelines, 2015. Collection method: clinical testing. Allele origin: germline.
Comment: The MORC2 c.1823G>A variant is predicted to result in the amino acid substitution p.Arg608His. To our knowledge, this variant has not been reported in the literature. This variant is reported in 0.0098% of alleles in individuals of South Asian descent in gnomAD. At this time, the clinical significance of this variant is uncertain due to the absence of conclusive functional and genetic evidence.

Labcorp Genetics (formerly Invitae), Labcorp
Classification: Uncertain significance for Charcot-Marie-Tooth disease axonal type 2Z. Last evaluated: 2025-10-28. Review status: criteria provided, single submitter. Criteria: Invitae Variant Classification Sherloc (09022015). Collection method: clinical testing. Allele origin: germline.
Comment: This sequence change replaces arginine, which is basic and polar, with histidine, which is basic and polar, at codon 608 of the MORC2 protein (p.Arg608His). This variant is present in population databases (rs781443418, gnomAD 0.01%). This variant has not been reported in the literature in individuals affected with MORC2-related conditions. ClinVar contains an entry for this variant (Variation ID: 1440075). Invitae Evidence Modeling of protein sequence and biophysical properties (such as structural, functional, and spatial information, amino acid conservation, physicochemical variation, residue mobility, and thermodynamic stability) indicates that this missense variant is not expected to disrupt MORC2 protein function with a negative predictive value of 95%. In summary, the available evidence is currently insufficient to determine the role of this variant in disease. Therefore, it has been classified as a Variant of Uncertain Significance.

Ambry Genetics
Classification: Uncertain significance for Inborn genetic diseases. Last evaluated: 2020-02-28. Review status: criteria provided, single submitter. Criteria: Ambry Variant Classification Scheme 2023. Collection method: clinical testing. Allele origin: germline.
Comment: The p.R608H variant (also known as c.1823G>A) is located in coding exon 19 of the MORC2 gene, results from a G to A substitution at nucleotide position 1823. The arginine at codon 608 is replaced by histidine, an amino acid with highly similar properties. This amino acid position is well conserved in available vertebrate species. In addition, this alteration is predicted to be tolerated by in silico analysis. Since supporting evidence is limited at this time, the clinical significance of this alteration remains unclear.

NM_001303256.3(MORC2):c.1823G>A (p.Arg608His)

Gene: MORC2 (MORC family CW-type zinc finger 2; minus strand). Cytogenetic location: 22q12.2.
Variant type: single nucleotide variant.
Coding change: c.1823G>A on transcript NM_001303256.3 (MANE Select); coding-DNA position 1823, G replaced by A.
Protein change: p.Arg608His; replaces arginine 608 with histidine.
Molecular consequence: missense variant.
Genome position (GRCh38, 1-based): chr22:30,935,151, C>T on the plus strand (G>A on the coding strand, the complement: MORC2 is on the minus strand). VCF-style: chr22-30935151-C-T. GRCh37 (hg19) VCF-style: chr22-31331138-C-T.
Other names: c.1823G>A, p.Arg608His (NM_001303257.2); c.1637G>A, p.Arg546His (NM_014941.3); short protein forms R608H, R546H.
Identifiers: ClinVar variation 1440075 (VCV001440075.11), dbSNP rs781443418, ClinGen allele CA10186826.